The following is an entry in ClinVar:

ClinVar aggregate classification (germline): Uncertain significance (1 of 4 stars; one submission).

Submission:

Women's Health and Genetics/Laboratory Corporation of America, LabCorp
Classification: Uncertain significance. Last evaluated: 2025-12-01. Review status: criteria provided, single submitter. Criteria: LabCorp Variant Classification Summary - May 2015. Collection method: clinical testing. Allele origin: germline.
Comment: Variant summary: TRPM4 c.2531G>C (p.Gly844Ala) results in a non-conservative amino acid change in the encoded protein sequence. Algorithms developed to predict the effect of missense changes on protein structure and function are either unavailable or do not agree on the potential impact of this missense change. The variant was absent in 157302 control chromosomes. The available data on variant occurrences in the general population are insufficient to allow any conclusion about variant significance. To our knowledge, no occurrence of c.2531G>C in individuals affected with TRPM4-related conditions and no experimental evidence demonstrating its impact on protein function have been reported. No submitters have cited clinical-significance assessments for this variant to ClinVar. Based on the evidence outlined above, the variant was classified as uncertain significance.

NM_017636.4(TRPM4):c.2531G>C (p.Gly844Ala)

Gene: TRPM4 (transient receptor potential cation channel subfamily M member 4; plus strand). Cytogenetic location: 19q13.33.
Variant type: single nucleotide variant.
Coding change: c.2531G>C on transcript NM_017636.4 (MANE Select); coding-DNA position 2531, G replaced by C.
Protein change: p.Gly844Ala; replaces glycine 844 with alanine.
Molecular consequence: missense variant. On other transcripts: intron variant (1).
Genome position (GRCh38, 1-based): chr19:49,196,760, G>C. VCF-style: chr19-49196760-G-C. GRCh37 (hg19) VCF-style: chr19-49700017-G-C.
Other names: c.2186G>C, p.Gly729Ala (NM_001321281.2); c.923G>C, p.Gly308Ala (NM_001321282.2); c.2009G>C, p.Gly670Ala (NM_001321283.2); c.1469G>C, p.Gly490Ala (NM_001321285.2); c.2211-3540G>C (NM_001195227.2); short protein forms G308A, G490A, G670A, G729A, G844A.
Identifiers: ClinVar variation 4688716 (VCV004688716.1).
Genomic context (GRCh38, chr19:49,196,760, plus strand): 5'-TGCTGTGCGAGGAACTGCGCCAGGGCCTGAGCGGAGGCGGGGGCAGCCTCGCCAGCGGGG[G>C]CCCCGGGCCTGGCCATGCCTCACTGAGCCAGCGCCTGCGCCTCTACCTCGCCGACAGCTG-3'
Protein context (NP_060106.2, residues 834-854): SGGGGSLASG[Gly844Ala]PGPGHASLSQ